The following is an entry in ClinVar:

NM_000430.4(PAFAH1B1):c.*3634C>T

Gene: PAFAH1B1 (platelet activating factor acetylhydrolase 1b regulatory subunit 1; plus strand). Cytogenetic location: 17p13.3.
Variant type: single nucleotide variant.
Coding change: c.*3634C>T on transcript NM_000430.4 (MANE Select); 3634 bases downstream of the stop codon, C replaced by T.
Molecular consequence: 3 prime UTR variant.
Genome position (GRCh38, 1-based): chr17:2,685,436, C>T. VCF-style: chr17-2685436-C-T. GRCh37 (hg19) VCF-style: chr17-2588730-C-T.
Identifiers: ClinVar variation 2647224 (VCV002647224.24), dbSNP rs976826827, ClinGen allele CA286921032.

ClinVar aggregate classification (germline): Benign (1 of 4 stars; one submission).

Allele frequency attached by ClinVar (database versions not stated): gnomAD 0.00069; TOPMed 0.00084.

Submission:

CeGaT Center for Human Genetics Tuebingen
Classification: Benign. Last evaluated: 2022-08-01. Review status: criteria provided, single submitter. Criteria: CeGaT Center For Human Genetics Tuebingen Variant Classification Criteria Version 2. Collection method: clinical testing. Allele origin: germline. Affected: yes. Observed: 1 variant allele.
Comment: PAFAH1B1: BS1, BS2